The following is an entry in ClinVar:

NM_002691.4(POLD1):c.1380G>A (p.Leu460=)

Gene: POLD1 (DNA polymerase delta 1, catalytic subunit; plus strand). Cytogenetic location: 19q13.33.
Variant type: single nucleotide variant.
Coding change: c.1380G>A on transcript NM_002691.4 (MANE Select); coding-DNA position 1380, G replaced by A.
Protein change: p.Leu460=; no amino-acid change (leucine 460 retained).
Molecular consequence: synonymous variant. On other transcripts: non-coding transcript variant (1).
Genome position (GRCh38, 1-based): chr19:50,406,319, G>A. VCF-style: chr19-50406319-G-A. GRCh37 (hg19) VCF-style: chr19-50909576-G-A.
Other names: c.1380G>A (NM_002691.2); c.1380G>A, p.Leu460= (NM_001256849.1, NM_001308632.1).
Identifiers: ClinVar variation 1100159 (VCV001100159.11), dbSNP rs2038879186, ClinGen allele CA508304835.

ClinVar aggregate classification (germline): Benign/Likely benign. Review status: criteria provided, multiple submitters, no conflicts (2 of 4 stars). 3 submissions from 3 submitters: Benign (1); Likely benign (2). Last evaluated 2025-10-18.

Conditions:
Hereditary cancer-predisposing syndrome. Also called: Hereditary neoplastic syndrome; Neoplastic Syndromes, Hereditary; Tumor predisposition; Hereditary Cancer Syndrome. Identifiers: Orphanet 140162, MedGen C0027672, MeSH D009386, MONDO:0015356.
POLD1-related polyposis and colorectal cancer syndrome (CRCS10). Also called: Colorectal cancer, susceptibility to, 10; Colorectal cancer 10; COLORECTAL CANCER, SUSCEPTIBILITY TO, ON CHROMOSOME 19q. Identifiers: Orphanet 220460, MedGen C2675481, MONDO:0012953, OMIM 612591.

Allele frequency attached by ClinVar (database versions not stated): TOPMed below 0.00001.

Submissions (3):

Labcorp Genetics (formerly Invitae), Labcorp
Classification: Likely benign for POLD1-related polyposis and colorectal cancer syndrome. Last evaluated: 2025-10-18. Review status: criteria provided, single submitter. Criteria: Invitae Variant Classification Sherloc (09022015). Collection method: clinical testing. Allele origin: germline.

Myriad Genetics, Inc.
Classification: Benign for POLD1-related polyposis and colorectal cancer syndrome. Last evaluated: 2025-02-06. Review status: criteria provided, single submitter. Criteria: Myriad Autosomal Dominant, Autosomal Recessive and X-Linked Classification Criteria (2023). Collection method: clinical testing. Allele origin: unknown.
Comment: This variant is considered benign. This variant is a silent/synonymous amino acid change and it is not expected to impact splicing.

Ambry Genetics
Classification: Likely benign for Hereditary cancer-predisposing syndrome. Last evaluated: 2023-03-10. Review status: criteria provided, single submitter. Criteria: Ambry Variant Classification Scheme 2023. Collection method: clinical testing. Allele origin: germline.